The following is an entry in ClinVar:

ClinVar aggregate classification (germline): Uncertain significance (1 of 4 stars; one submission).

Conditions:
Hereditary cancer-predisposing syndrome. Also called: Neoplastic Syndromes, Hereditary; Tumor predisposition; Hereditary Cancer Syndrome; Hereditary neoplastic syndrome. Identifiers: Orphanet 140162, MedGen C0027672, MeSH D009386, MONDO:0015356.

Submission:

Ambry Genetics
Classification: Uncertain significance for Hereditary cancer-predisposing syndrome. Last evaluated: 2026-02-25. Review status: criteria provided, single submitter. Criteria: Ambry Variant Classification Scheme 2023. Collection method: clinical testing. Allele origin: germline.
Comment: The p.S721F variant (also known as c.2162C>T), located in coding exon 14 of the SMARCA4 gene, results from a C to T substitution at nucleotide position 2162. The serine at codon 721 is replaced by phenylalanine, an amino acid with highly dissimilar properties. This amino acid position is conserved. In addition, the in silico prediction for this alteration is inconclusive. Based on the available evidence, the clinical significance of this variant remains unclear.

NM_003072.5(SMARCA4):c.2162C>T (p.Ser721Phe)

Gene: SMARCA4 (SWI/SNF related BAF chromatin remodeling complex subunit ATPase 4; plus strand). Cytogenetic location: 19p13.2.
Variant type: single nucleotide variant.
Coding change: c.2162C>T on transcript NM_003072.5 (MANE Select); coding-DNA position 2162, C replaced by T.
Protein change: p.Ser721Phe; replaces serine 721 with phenylalanine.
Molecular consequence: missense variant. On other transcripts: non-coding transcript variant (1).
Genome position (GRCh38, 1-based): chr19:11,010,419, C>T. VCF-style: chr19-11010419-C-T. GRCh37 (hg19) VCF-style: chr19-11121095-C-T.
Other names: c.2162C>T, p.Ser721Phe (NM_001128844.3, NM_001128845.2, NM_001128846.2 and 6 more transcripts); short protein forms S721F.
Identifiers: ClinVar variation 4827326 (VCV004827326.1).
Genomic context (GRCh38, chr19:11,010,419, plus strand): 5'-GGCACCTCCATCTCACTCCCAGGAATGCCAAGCAAGATGTCGATGATGAATATGGCGTGT[C>T]CCAGGCCCTTGCACGTGGCCTGCAGTCCTACTATGCCGTGGCCCATGCTGTCACTGAGAG-3'
Protein context (NP_003063.2, residues 711-731): KQDVDDEYGV[Ser721Phe]QALARGLQSY